The following is an entry in ClinVar:

NM_024009.3(GJB3):c.341C>T (p.Ala114Val)

Gene: GJB3 (gap junction protein beta 3; plus strand). Cytogenetic location: 1p34.3.
Variant type: single nucleotide variant.
Coding change: c.341C>T on transcript NM_024009.3 (MANE Select); coding-DNA position 341, C replaced by T.
Protein change: p.Ala114Val; replaces alanine 114 with valine.
Molecular consequence: missense variant.
Genome position (GRCh38, 1-based): chr1:34,785,103, C>T. VCF-style: chr1-34785103-C-T. GRCh37 (hg19) VCF-style: chr1-35250704-C-T.
Other names: c.341C>T (NM_024009.2); c.341C>T, p.Ala114Val (NM_001005752.2); short protein forms A114V.
Identifiers: ClinVar variation 2198479 (VCV002198479.6), dbSNP rs770903071, ClinGen allele CA754817.

ClinVar aggregate classification (germline): Uncertain significance. Review status: criteria provided, multiple submitters, no conflicts (2 of 4 stars). 3 submissions from 3 submitters: Uncertain significance (3). Last evaluated 2026-09-04.

Conditions:
Inborn genetic diseases. Identifiers: MedGen C0950123, MeSH D030342.
GJB3-related disorder. Also called: GJB3-related condition.

Allele frequency attached by ClinVar (database versions not stated): ExAC 0.00002; gnomAD 0.00005; TOPMed 0.00006; gnomAD exomes 0.00016.
gnomAD v4.1: 241 of 1,613,872 alleles (0.015%); highest among the groups gnomAD compares: Non-Finnish European, 0.019%; no homozygotes.

Submissions (3):

PreventionGenetics, part of Exact Sciences
Classification: Uncertain significance for GJB3-related condition. Last evaluated: 2026-09-04. Review status: criteria provided, single submitter. Criteria: ACMG Guidelines, 2015. Collection method: clinical testing. Allele origin: germline.
Comment: The GJB3 c.341C>T variant is predicted to result in the amino acid substitution p.Ala114Val. To our knowledge, this variant has not been reported in the literature. This variant is reported in 0.0040% of alleles in individuals of African descent in gnomAD. At this time, the clinical significance of this variant is uncertain due to the absence of conclusive functional and genetic evidence.

Labcorp Genetics (formerly Invitae), Labcorp
Classification: Uncertain significance. Last evaluated: 2025-12-30. Review status: criteria provided, single submitter. Criteria: Invitae Variant Classification Sherloc (09022015). Collection method: clinical testing. Allele origin: germline.
Comment: This sequence change replaces alanine, which is neutral and non-polar, with valine, which is neutral and non-polar, at codon 114 of the GJB3 protein (p.Ala114Val). This variant is present in population databases (rs770903071, gnomAD 0.004%). This variant has not been reported in the literature in individuals affected with GJB3-related conditions. ClinVar contains an entry for this variant (Variation ID: 2198479). Invitae Evidence Modeling of protein sequence and biophysical properties (such as structural, functional, and spatial information, amino acid conservation, physicochemical variation, residue mobility, and thermodynamic stability) indicates that this missense variant is not expected to disrupt GJB3 protein function with a negative predictive value of 80%. In summary, the available evidence is currently insufficient to determine the role of this variant in disease. Therefore, it has been classified as a Variant of Uncertain Significance.

Ambry Genetics
Classification: Uncertain significance for Inborn genetic diseases. Last evaluated: 2024-11-10. Review status: criteria provided, single submitter. Criteria: Ambry Variant Classification Scheme 2023. Collection method: clinical testing. Allele origin: germline.